The following is an entry in ClinVar:

ClinVar aggregate classification (germline): Likely benign. Review status: criteria provided, multiple submitters, no conflicts (2 of 4 stars). 2 submissions from 2 submitters: Likely benign (2). Last evaluated 2021-05-24.

Conditions:
Hereditary cancer-predisposing syndrome. Also called: Hereditary Cancer Syndrome; Hereditary neoplastic syndrome; Neoplastic Syndromes, Hereditary; Tumor predisposition. Identifiers: Orphanet 140162, MedGen C0027672, MeSH D009386, MONDO:0015356.

Submissions (2):

Ambry Genetics
Classification: Likely benign for Hereditary cancer-predisposing syndrome. Last evaluated: 2021-05-24. Review status: criteria provided, single submitter. Criteria: Ambry Variant Classification Scheme 2023. Collection method: clinical testing. Allele origin: germline.

GeneDx
Classification: Likely benign. Last evaluated: 2016-04-12. Review status: criteria provided, single submitter. Criteria: GeneDx Variant Classification (06012015). Collection method: clinical testing. Allele origin: germline. Affected: yes.
Comment: This variant is considered likely benign or benign based on one or more of the following criteria: it is a conservative change, it occurs at a poorly conserved position in the protein, it is predicted to be benign by multiple in silico algorithms, and/or has population frequency not consistent with disease.

NM_000059.4(BRCA2):c.5226C>T (p.Asn1742=)

Gene: BRCA2 (BRCA2 DNA repair associated; plus strand). Cytogenetic location: 13q13.1.
Variant type: single nucleotide variant.
Coding change: c.5226C>T on transcript NM_000059.4 (MANE Select); coding-DNA position 5226, C replaced by T.
Protein change: p.Asn1742=; no amino-acid change (asparagine 1742 retained).
Molecular consequence: synonymous variant.
Genome position (GRCh38, 1-based): chr13:32,339,581, C>T. VCF-style: chr13-32339581-C-T. GRCh37 (hg19) VCF-style: chr13-32913718-C-T.
Identifiers: ClinVar variation 385590 (VCV000385590.3), dbSNP rs1057522266, ClinGen allele CA16607466.
Genomic context (GRCh38, chr13:32,339,581, plus strand): 5'-TACTATAGCTGAAAATGACAAAAATCATCTCTCCGAAAAACAAGATACTTATTTAAGTAA[C>T]AGTAGCATGTCTAACAGCTATTCCTACCATTCTGATGAGGTATATAATGATTCAGGATAT-3'
Protein context (NP_000050.3, residues 1732-1752): LSEKQDTYLS[Asn1742=]SSMSNSYSYH